The following is an entry in ClinVar:

ClinVar aggregate classification (germline): Uncertain significance (1 of 4 stars; one submission).

Conditions:
Alstrom syndrome (ALMS). Identifiers: Orphanet 64, MedGen C0268425, MONDO:0008763, OMIM 203800.

Submission:

Labcorp Genetics (formerly Invitae), Labcorp
Classification: Uncertain significance for Alstrom syndrome. Last evaluated: 2021-05-30. Review status: criteria provided, single submitter. Criteria: Invitae Variant Classification Sherloc (09022015). Collection method: clinical testing. Allele origin: germline.
Comment: This sequence change replaces asparagine with serine at codon 2833 of the ALMS1 protein (p.Asn2833Ser). The asparagine residue is moderately conserved and there is a small physicochemical difference between asparagine and serine. This variant is not present in population databases (ExAC no frequency). This variant has not been reported in the literature in individuals with ALMS1-related conditions. Experimental studies and prediction algorithms are not available or were not evaluated, and the functional significance of this variant is currently unknown. In summary, the available evidence is currently insufficient to determine the role of this variant in disease. Therefore, it has been classified as a Variant of Uncertain Significance.

NM_001378454.1(ALMS1):c.8495A>G (p.Asn2832Ser)

Gene: ALMS1 (ALMS1 centrosome and basal body associated protein; plus strand). Cytogenetic location: 2p13.1.
Variant type: single nucleotide variant.
Coding change: c.8495A>G on transcript NM_001378454.1 (MANE Select); coding-DNA position 8495, A replaced by G.
Protein change: p.Asn2832Ser; replaces asparagine 2832 with serine.
Molecular consequence: missense variant.
Genome position (GRCh38, 1-based): chr2:73,490,454, A>G. VCF-style: chr2-73490454-A-G. GRCh37 (hg19) VCF-style: chr2-73717581-A-G.
Other names: c.8498A>G, p.Asn2833Ser (NM_015120.4); short protein forms N2832S, N2833S.
Identifiers: ClinVar variation 1416202 (VCV001416202.3), dbSNP rs2103892060, ClinGen allele CA347269137.
Genomic context (GRCh38, chr2:73,490,454, plus strand): 5'-TAGAAAGATCAGATTTTACAGGCAGTCATTCTGAGCCCAGTACCAGGGCAAATTGTAGCA[A>G]TTTCAAGGAAATTCAGATTTCTGATAACCATACCCTTATTAGCATGGGCAGACCAAGTTC-3'
Protein context (NP_001365383.1, residues 2822-2842): SEPSTRANCS[Asn2832Ser]FKEIQISDNH